The following is an entry in ClinVar:

NM_002907.4(RECQL):c.1582A>G (p.Arg528Gly)

Gene: RECQL (RecQ like helicase; minus strand). Cytogenetic location: 12p12.1.
Variant type: single nucleotide variant.
Coding change: c.1582A>G on transcript NM_002907.4 (MANE Select); coding-DNA position 1582, A replaced by G.
Protein change: p.Arg528Gly; replaces arginine 528 with glycine.
Molecular consequence: missense variant.
Genome position (GRCh38, 1-based): chr12:21,471,513, T>C on the plus strand (A>G on the coding strand, the complement: RECQL is on the minus strand). VCF-style: chr12-21471513-T-C. GRCh37 (hg19) VCF-style: chr12-21624447-T-C.
Other names: c.1582A>G, p.Arg528Gly (NM_032941.3); short protein forms R528G.
Identifiers: ClinVar variation 1775732 (VCV001775732.2), dbSNP rs2540320950, ClinGen allele CA384116101.

ClinVar aggregate classification (germline): Uncertain significance (1 of 4 stars; one submission).

Submission:

Ambry Genetics
Classification: Uncertain significance. Last evaluated: 2024-03-21. Review status: criteria provided, single submitter. Criteria: Ambry Variant Classification Scheme 2023. Collection method: clinical testing. Allele origin: germline.
Comment: The p.R528G variant (also known as c.1582A>G), located in coding exon 12 of the RECQL gene, results from an A to G substitution at nucleotide position 1582. The arginine at codon 528 is replaced by glycine, an amino acid with dissimilar properties. This amino acid position is conserved. In addition, this alteration is predicted to be tolerated by in silico analysis. Since supporting evidence is limited at this time, the clinical significance of this alteration remains unclear.